The following is an entry in ClinVar:

ClinVar aggregate classification (germline): Uncertain significance (1 of 4 stars; one submission).

Allele frequency attached by ClinVar (database versions not stated): ExAC 0.00001; gnomAD 0.00001; gnomAD exomes 0.00001; 1000 Genomes Project 30x 0.00016; 1000 Genomes Project 0.00020.
gnomAD v4.1: 4 of 1,613,380 alleles (0.00025%); highest among the groups gnomAD compares: South Asian, 0.0044%; no homozygotes.

Submission:

Labcorp Genetics (formerly Invitae), Labcorp
Classification: Uncertain significance. Last evaluated: 2022-12-06. Review status: criteria provided, single submitter. Criteria: Invitae Variant Classification Sherloc (09022015). Collection method: clinical testing. Allele origin: germline.
Comment: The frequency data for this variant in the population databases is considered unreliable, as metrics indicate poor data quality at this position in the gnomAD database. This sequence change replaces alanine, which is neutral and non-polar, with valine, which is neutral and non-polar, at codon 57 of the ECHS1 protein (p.Ala57Val). This variant has not been reported in the literature in individuals affected with ECHS1-related conditions. Advanced modeling of protein sequence and biophysical properties (such as structural, functional, and spatial information, amino acid conservation, physicochemical variation, residue mobility, and thermodynamic stability) performed at Invitae indicates that this missense variant is not expected to disrupt ECHS1 protein function. In summary, the available evidence is currently insufficient to determine the role of this variant in disease. Therefore, it has been classified as a Variant of Uncertain Significance.

NM_004092.4(ECHS1):c.170C>T (p.Ala57Val)

Gene: ECHS1 (enoyl-CoA hydratase, short chain 1; minus strand). Cytogenetic location: 10q26.3.
Variant type: single nucleotide variant.
Coding change: c.170C>T on transcript NM_004092.4 (MANE Select); coding-DNA position 170, C replaced by T.
Protein change: p.Ala57Val; replaces alanine 57 with valine.
Molecular consequence: missense variant.
Genome position (GRCh38, 1-based): chr10:133,370,676, G>A on the plus strand (C>T on the coding strand, the complement: ECHS1 is on the minus strand). VCF-style: chr10-133370676-G-A. GRCh37 (hg19) VCF-style: chr10-135184180-G-A.
Other names: short protein forms A57V.
Identifiers: ClinVar variation 2116582 (VCV002116582.4), dbSNP rs566458239, ClinGen allele CA5765859.